The following is an entry in ClinVar:

ClinVar aggregate classification (germline): Uncertain significance (1 of 4 stars; one submission).

Submission:

GeneDx
Classification: Uncertain significance. Last evaluated: 2026-04-10. Review status: criteria provided, single submitter. Criteria: GeneDx Variant Classification Process June 2021. Collection method: clinical testing. Allele origin: germline.
Comment: Not observed at significant frequency in large population cohorts (gnomAD); In-frame deletion of 1 amino acid(s) in a non-repeat region; In silico analysis supports a deleterious effect on protein structure/function; Has not been previously published as pathogenic or benign to our knowledge

NM_017780.4(CHD7):c.6206_6208del (p.Leu2069del)

Gene: CHD7 (chromodomain helicase DNA binding protein 7; plus strand). Cytogenetic location: 8q12.2.
Variant type: Deletion.
Coding change: c.6206_6208del on transcript NM_017780.4 (MANE Select); coding-DNA positions 6206 to 6208, 3 bases deleted (TCC; older notation c.6206_6208delTCC).
Protein change: p.Leu2069del; deletes leucine 2069.
Molecular consequence: inframe deletion. On other transcripts: inframe indel (1), intron variant (1).
Genome position (GRCh38, 1-based): chr8:60,852,931-60,852,933, TCC deleted; deleting any 3 consecutive bases within chr8:60,852,930-60,852,933 gives the same sequence; the c. name uses the placement nearest the transcript's 3' end. VCF-style (leftmost placement, unchanged base first): chr8-60852929-TCTC-T. GRCh37 (hg19) VCF-style: chr8-61765488-TCTC-T.
Other names: c.6206_6208delTCC, p.Leu2069del (NM_017780.2); c.1717-9298_1717-9296del (NM_001316690.1); short protein forms L2069del.
Identifiers: ClinVar variation 5018345 (VCV005018345.1).
Genomic context (GRCh38, chr8:60,852,929, plus strand): 5'-GGAGCGAGCCTCTCGAACTCTGTACCGCATTGAGCTGCTACGGAAGATCCGCGAGCAGGT[TCTC>T]CATCACCCCCAGCTGGGAGAGAGGCTTAAGCTCTGCCAGCCAAGCTTGGATCTGCCAGAG-3'